The following is an entry in ClinVar:

NM_024408.4(NOTCH2):c.6924G>A (p.Gln2308=)

Gene: NOTCH2 (notch receptor 2; minus strand). Cytogenetic location: 1p12.
Variant type: single nucleotide variant.
Coding change: c.6924G>A on transcript NM_024408.4 (MANE Select); coding-DNA position 6924, G replaced by A.
Protein change: p.Gln2308=; no amino-acid change (glutamine 2308 retained).
Molecular consequence: synonymous variant.
Genome position (GRCh38, 1-based): chr1:119,915,798, C>T on the plus strand (G>A on the coding strand, the complement: NOTCH2 is on the minus strand). VCF-style: chr1-119915798-C-T. GRCh37 (hg19) VCF-style: chr1-120458421-C-T.
Identifiers: ClinVar variation 594467 (VCV000594467.20), dbSNP rs376191548, ClinGen allele CA1039352.

ClinVar aggregate classification (germline): Benign/Likely benign. Review status: criteria provided, multiple submitters, no conflicts (2 of 4 stars). 5 submissions from 5 submitters: Benign (3); Likely benign (2). Last evaluated 2026-05-01.

Conditions:
Hajdu-Cheney syndrome (HJCYS). Also called: ACROOSTEOLYSIS WITH OSTEOPOROSIS AND CHANGES IN SKULL AND MANDIBLE; SERPENTINE FIBULA-POLYCYSTIC KIDNEY SYNDROME; Acroosteolysis dominant type. Identifiers: Orphanet 955, MedGen C0917715, MONDO:0007057, OMIM 102500.

Allele frequency attached by ClinVar (database versions not stated): gnomAD 0.00002 and 0.00019; TOPMed 0.00003; 1000 Genomes Project 0.00180; 1000 Genomes Project 30x 0.00219.
gnomAD v4.1: 541 of 1,612,586 alleles (0.034%); highest among the groups gnomAD compares: South Asian, 0.56%; 9 homozygotes.

Submissions (5):

CeGaT Center for Human Genetics Tuebingen
Classification: Likely benign. Last evaluated: 2026-05-01. Review status: criteria provided, single submitter. Criteria: CeGaT Center For Human Genetics Tuebingen Variant Classification Criteria Version 2. Collection method: clinical testing. Allele origin: germline. Affected: yes. Observed: 2 variant alleles.
Comment: NOTCH2: BP4, BS1

Labcorp Genetics (formerly Invitae), Labcorp
Classification: Benign for Hajdu-Cheney syndrome. Last evaluated: 2025-12-22. Review status: criteria provided, single submitter. Criteria: Invitae Variant Classification Sherloc (09022015). Collection method: clinical testing. Allele origin: germline.

Blueprint Genetics
Classification: Likely benign. Last evaluated: 2024-10-22. Review status: criteria provided, single submitter. Criteria: ACMG Guidelines, 2015. Collection method: clinical testing. Allele origin: germline.

GeneDx
Classification: Benign. Last evaluated: 2021-08-30. Review status: criteria provided, single submitter. Criteria: GeneDx Variant Classification Process June 2021. Collection method: clinical testing. Allele origin: germline. Affected: yes.

Eurofins Ntd Llc (ga)
Classification: Benign. Last evaluated: 2017-10-10. Review status: criteria provided, single submitter. Criteria: EGL Classification Definitions 2015. Collection method: clinical testing. Allele origin: germline. Observed: 1 variant allele, 1 heterozygote.